The following is an entry in ClinVar:

ClinVar aggregate classification (germline): Uncertain significance. Review status: criteria provided, single submitter (1 of 4 stars). 2 submissions from 2 submitters: Uncertain significance (1). 1 of the submissions does not count toward it. Last evaluated 2024-06-10.

Conditions:
TRIP13-related disorder. Also called: TRIP13-related condition.

Submissions (2):

Labcorp Genetics (formerly Invitae), Labcorp
Classification: Uncertain significance. Last evaluated: 2024-06-10. Review status: criteria provided, single submitter. Criteria: Invitae Variant Classification Sherloc (09022015). Collection method: clinical testing. Allele origin: germline.
Comment: This sequence change falls in intron 1 of the TRIP13 gene. It does not directly change the encoded amino acid sequence of the TRIP13 protein. It affects a nucleotide within the consensus splice site. This variant is present in population databases (no rsID available, gnomAD 0.003%). This variant has not been reported in the literature in individuals affected with TRIP13-related conditions. Variants that disrupt the consensus splice site are a relatively common cause of aberrant splicing (PMID: 17576681, 9536098). Algorithms developed to predict the effect of sequence changes on RNA splicing suggest that this variant is not likely to affect RNA splicing. In summary, the available evidence is currently insufficient to determine the role of this variant in disease. Therefore, it has been classified as a Variant of Uncertain Significance.

PreventionGenetics, part of Exact Sciences
Classification: Likely benign for TRIP13-related condition. Last evaluated: 2020-10-05. Review status: no assertion criteria provided. Collection method: clinical testing. Allele origin: germline. Not counted in ClinVar's aggregate classification.
Comment: This variant is classified as likely benign based on ACMG/AMP sequence variant interpretation guidelines (Richards et al. 2015 PMID: 25741868, with internal and published modifications).

Literature cited by the submitters: PubMed 17576681 (cited by Labcorp Genetics (formerly Invitae), Labcorp); PubMed 9536098 (cited by Labcorp Genetics (formerly Invitae), Labcorp).

NM_004237.4(TRIP13):c.92+6C>G

Gene: TRIP13 (thyroid hormone receptor interactor 13; plus strand). Cytogenetic location: 5p15.33.
Variant type: single nucleotide variant.
Coding change: c.92+6C>G on transcript NM_004237.4 (MANE Select); 6 bases into the intron after coding-DNA position 92, C replaced by G.
Molecular consequence: intron variant.
Genome position (GRCh38, 1-based): chr5:893,096, C>G. VCF-style: chr5-893096-C-G. GRCh37 (hg19) VCF-style: chr5-893211-C-G.
Other names: c.92+6C>G (NM_001166260.2, NM_004237.3).
Identifiers: ClinVar variation 2817509 (VCV002817509.5), dbSNP rs948268218, ClinGen allele CA112900161.
Genomic context (GRCh38, chr5:893,096, plus strand): 5'-CCTGTGTGGCCGAGTCGCCAACGGTCCACGTGGAGGTGCATCAGCGCGGCAGCAGGTGAG[C>G]CGGACCTGTCCGACACATCCTCTGGGCACCCACCCGCCCCGACCCCAGCGCGTGCACCGA-3'